The following is an entry in ClinVar:

NM_001042517.2(DIAPH3):c.1343G>A (p.Arg448Gln)

Gene: DIAPH3 (diaphanous related formin 3; minus strand). Cytogenetic location: 13q21.2.
Variant type: single nucleotide variant.
Coding change: c.1343G>A on transcript NM_001042517.2 (MANE Select); coding-DNA position 1343, G replaced by A.
Protein change: p.Arg448Gln; replaces arginine 448 with glutamine.
Molecular consequence: missense variant.
Genome position (GRCh38, 1-based): chr13:59,991,176, C>T on the plus strand (G>A on the coding strand, the complement: DIAPH3 is on the minus strand). VCF-style: chr13-59991176-C-T. GRCh37 (hg19) VCF-style: chr13-60565310-C-T.
Other names: c.1310G>A, p.Arg437Gln (NM_001258366.2); c.1205G>A, p.Arg402Gln (NM_001258367.2); c.1133G>A, p.Arg378Gln (NM_001258368.2); c.1343G>A, p.Arg448Gln (NM_001258369.2); c.554G>A, p.Arg185Gln (NM_001258370.2, NM_030932.4); short protein forms R185Q, R378Q, R402Q, R437Q, R448Q.
Identifiers: ClinVar variation 1406036 (VCV001406036.7), dbSNP rs145827856, ClinGen allele CA6996739.

ClinVar aggregate classification (germline): Uncertain significance. Review status: criteria provided, multiple submitters, no conflicts (2 of 4 stars). 2 submissions from 2 submitters: Uncertain significance (2). Last evaluated 2025-11-10.

Conditions:
Autosomal dominant auditory neuropathy 1. Also called: AUDITORY NEUROPATHY, NONSYNDROMIC DOMINANT. Identifiers: Orphanet 90635, MedGen C1836743, MONDO:0012196, OMIM 609129.

gnomAD v4.1: 16 of 1,601,962 alleles (0.001%); highest among the groups gnomAD compares: South Asian, 0.0044%; no homozygotes.

Submissions (2):

Labcorp Genetics (formerly Invitae), Labcorp
Classification: Uncertain significance. Last evaluated: 2025-11-10. Review status: criteria provided, single submitter. Criteria: Invitae Variant Classification Sherloc (09022015). Collection method: clinical testing. Allele origin: germline.
Comment: This sequence change replaces arginine, which is basic and polar, with glutamine, which is neutral and polar, at codon 448 of the DIAPH3 protein (p.Arg448Gln). This variant is present in population databases (rs145827856, gnomAD 0.003%). This variant has not been reported in the literature in individuals affected with DIAPH3-related conditions. ClinVar contains an entry for this variant (Variation ID: 1406036). An algorithm developed to predict the effect of missense changes on protein structure and function (PolyPhen-2) suggests that this variant is likely to be disruptive. In summary, the available evidence is currently insufficient to determine the role of this variant in disease. Therefore, it has been classified as a Variant of Uncertain Significance.

Revvity Omics, Revvity
Classification: Uncertain significance for Autosomal dominant auditory neuropathy 1. Last evaluated: 2024-02-27. Review status: criteria provided, single submitter. Criteria: ACMG Guidelines, 2015. Collection method: clinical testing. Allele origin: germline.